The following is an entry in ClinVar:

NM_018942.3(HMX1):c.476C>T (p.Ala159Val)

Gene: HMX1 (H6 family homeobox 1; minus strand). Cytogenetic location: 4p16.1.
Variant type: single nucleotide variant.
Coding change: c.476C>T on transcript NM_018942.3 (MANE Select); coding-DNA position 476, C replaced by T.
Protein change: p.Ala159Val; replaces alanine 159 with valine.
Molecular consequence: missense variant. On other transcripts: intron variant (1).
Genome position (GRCh38, 1-based): chr4:8,868,264, G>A on the plus strand (C>T on the coding strand, the complement: HMX1 is on the minus strand). VCF-style: chr4-8868264-G-A. GRCh37 (hg19) VCF-style: chr4-8869990-G-A.
Other names: c.394+2957C>T (NM_001306142.2); short protein forms A159V.
Identifiers: ClinVar variation 938751 (VCV000938751.7), dbSNP rs1225428085, ClinGen allele CA356278519.

ClinVar aggregate classification (germline): Uncertain significance (1 of 4 stars; one submission).

Allele frequency attached by ClinVar (database versions not stated): gnomAD 0.00001; gnomAD exomes 0.00003 and 0.00017; TOPMed 0.00004.
gnomAD v4.1: 13 of 1,439,260 alleles (0.0009%); highest among the groups gnomAD compares: Admixed American, 0.035%; no homozygotes.

Submission:

Labcorp Genetics (formerly Invitae), Labcorp
Classification: Uncertain significance. Last evaluated: 2022-02-04. Review status: criteria provided, single submitter. Criteria: Invitae Variant Classification Sherloc (09022015). Collection method: clinical testing. Allele origin: germline.
Comment: This sequence change replaces alanine, which is neutral and non-polar, with valine, which is neutral and non-polar, at codon 159 of the HMX1 protein (p.Ala159Val). The frequency data for this variant in the population databases is considered unreliable, as metrics indicate poor data quality at this position in the gnomAD database. This variant has not been reported in the literature in individuals affected with HMX1-related conditions. ClinVar contains an entry for this variant (Variation ID: 938751). Algorithms developed to predict the effect of missense changes on protein structure and function (SIFT, PolyPhen-2, Align-GVGD) all suggest that this variant is likely to be tolerated. In summary, the available evidence is currently insufficient to determine the role of this variant in disease. Therefore, it has been classified as a Variant of Uncertain Significance.